The following is an entry in ClinVar:

NM_000368.5(TSC1):c.2503-4T>G

Gene: TSC1 (TSC complex subunit 1; minus strand). Cytogenetic location: 9q34.13.
Variant type: single nucleotide variant.
Coding change: c.2503-4T>G on transcript NM_000368.5 (MANE Select); 4 bases into the intron before coding-DNA position 2503, T replaced by G.
Molecular consequence: intron variant.
Genome position (GRCh38, 1-based): chr9:132,900,841, A>C on the plus strand (T>G on the coding strand, the complement: TSC1 is on the minus strand). VCF-style: chr9-132900841-A-C. GRCh37 (hg19) VCF-style: chr9-135776228-A-C.
Other names: c.2140-4T>G (NM_001362177.2); c.2350-4T>G (NM_001162427.2); c.2500-4T>G (NM_001162426.2).
Identifiers: ClinVar variation 821381 (VCV000821381.15), dbSNP rs772414581, ClinGen allele CA033190.
Genomic context (GRCh38, chr9:132,900,841, plus strand): 5'-CAACAGCTGCCTGTTCAAGAACTCCATCTGCTGCTGGACCGACTCACTGTTTGAGAGCTA[A>C]CCAAAAAACATGAGCAAAGTGAAAAATCCGACGACATAAAACTAGCACATAGACGTCATT-3'

ClinVar aggregate classification (germline): Conflicting classifications of pathogenicity. Review status: criteria provided, conflicting classifications (1 of 4 stars). 3 submissions from 3 submitters: Uncertain significance (1); Likely benign (2). Last evaluated 2024-11-20.

Conditions:
Tuberous sclerosis 1 (TSC1). Identifiers: Orphanet 805, MedGen C1854465, MONDO:0008612, OMIM 191100.
Hereditary cancer-predisposing syndrome. Also called: Hereditary Cancer Syndrome; Neoplastic Syndromes, Hereditary; Hereditary neoplastic syndrome; Tumor predisposition. Identifiers: Orphanet 140162, MedGen C0027672, MeSH D009386, MONDO:0015356.

Allele frequency attached by ClinVar (database versions not stated): gnomAD 0.00001; ExAC 0.00002.
gnomAD v4.1: 8 of 1,613,968 alleles (0.0005%); highest among the groups gnomAD compares: Non-Finnish European, 0.00025%; no homozygotes.

Submissions (3):

Labcorp Genetics (formerly Invitae), Labcorp
Classification: Likely benign for Tuberous sclerosis 1. Last evaluated: 2024-11-20. Review status: criteria provided, single submitter. Criteria: Invitae Variant Classification Sherloc (09022015). Collection method: clinical testing. Allele origin: germline.

Genome-Nilou Lab
Classification: Likely benign for Tuberous sclerosis 1. Last evaluated: 2021-11-07. Review status: criteria provided, single submitter. Criteria: ACMG Guidelines, 2015. Collection method: clinical testing. Allele origin: germline. Affected: no.

Ambry Genetics
Classification: Uncertain significance for Hereditary cancer-predisposing syndrome. Last evaluated: 2020-12-09. Review status: criteria provided, single submitter. Criteria: Ambry Variant Classification Scheme 2023. Collection method: clinical testing. Allele origin: germline.
Comment: The c.2503-4T>G intronic variant results from a T to G substitution 4 nucleotides upstream from coding exon 18 in the TSC1 gene. This nucleotide position is not well conserved in available vertebrate species. In silico splice site analysis predicts that this alteration will not have any significant effect on splicing. Since supporting evidence is limited at this time, the clinical significance of this alteration remains unclear.